The following is an entry in ClinVar:

NM_001286.5(CLCN6):c.163C>G (p.Arg55Gly)

Gene: CLCN6 (chloride voltage-gated channel 6; plus strand). Cytogenetic location: 1p36.22.
Variant type: single nucleotide variant.
Coding change: c.163C>G on transcript NM_001286.5 (MANE Select); coding-DNA position 163, C replaced by G.
Protein change: p.Arg55Gly; replaces arginine 55 with glycine.
Molecular consequence: missense variant. On other transcripts: non-coding transcript variant (1), intron variant (1).
Genome position (GRCh38, 1-based): chr1:11,815,861, C>G. VCF-style: chr1-11815861-C-G. GRCh37 (hg19) VCF-style: chr1-11875918-C-G.
Other names: c.148-754C>G (NM_001256959.2); short protein forms R55G.
Identifiers: ClinVar variation 1720730 (VCV001720730.5), dbSNP rs1570519033, ClinGen allele CA338425411.

ClinVar aggregate classification (germline): Uncertain significance (1 of 4 stars; one submission).

Submission:

Labcorp Genetics (formerly Invitae), Labcorp
Classification: Uncertain significance. Last evaluated: 2022-09-30. Review status: criteria provided, single submitter. Criteria: Invitae Variant Classification Sherloc (09022015). Collection method: clinical testing. Allele origin: germline.
Comment: This sequence change replaces arginine, which is basic and polar, with glycine, which is neutral and non-polar, at codon 55 of the CLCN6 protein (p.Arg55Gly). This variant is not present in population databases (gnomAD no frequency). This variant has not been reported in the literature in individuals affected with CLCN6-related conditions. Algorithms developed to predict the effect of missense changes on protein structure and function are either unavailable or do not agree on the potential impact of this missense change (SIFT: "Deleterious"; PolyPhen-2: "Benign"; Align-GVGD: "Class C65"). In summary, the available evidence is currently insufficient to determine the role of this variant in disease. Therefore, it has been classified as a Variant of Uncertain Significance.